The following is an entry in ClinVar:

ClinVar aggregate classification (germline): Uncertain significance. Review status: criteria provided, multiple submitters, no conflicts (2 of 4 stars). 4 submissions from 4 submitters: Uncertain significance (4). Last evaluated 2024-11-26.

Conditions:
Acute infantile liver failure due to synthesis defect of mtDNA-encoded proteins. Also called: Liver failure acute infantile; TRMU Deficiency; LIVER FAILURE, INFANTILE, TRANSIENT. Identifiers: Orphanet 217371, MedGen C3278664, MONDO:0013111, OMIM 613070.
Inborn genetic diseases. Identifiers: MedGen C0950123, MeSH D030342.

Allele frequency attached by ClinVar (database versions not stated): gnomAD exomes 0.00008; gnomAD 0.00003; TOPMed 0.00006; ExAC 0.00009.
gnomAD v4.1: 91 of 1,611,736 alleles (0.0056%); highest among the groups gnomAD compares: Admixed American, 0.018%; no homozygotes.

Submissions (4):

Ambry Genetics
Classification: Uncertain significance for Inborn genetic diseases. Last evaluated: 2024-11-26. Review status: criteria provided, single submitter. Criteria: Ambry Variant Classification Scheme 2023. Collection method: clinical testing. Allele origin: germline.

Labcorp Genetics (formerly Invitae), Labcorp
Classification: Uncertain significance. Last evaluated: 2022-06-27. Review status: criteria provided, single submitter. Criteria: Invitae Variant Classification Sherloc (09022015). Collection method: clinical testing. Allele origin: germline.
Comment: This sequence change replaces arginine, which is basic and polar, with glutamine, which is neutral and polar, at codon 154 of the TRMU protein (p.Arg154Gln). This variant is present in population databases (rs200963587, gnomAD 0.02%). This variant has not been reported in the literature in individuals affected with TRMU-related conditions. ClinVar contains an entry for this variant (Variation ID: 342007). Algorithms developed to predict the effect of missense changes on protein structure and function are either unavailable or do not agree on the potential impact of this missense change (SIFT: "Tolerated"; PolyPhen-2: "Probably Damaging"; Align-GVGD: "Class C0"). In summary, the available evidence is currently insufficient to determine the role of this variant in disease. Therefore, it has been classified as a Variant of Uncertain Significance.

Illumina Laboratory Services, Illumina
Classification: Uncertain significance for Acute infantile liver failure due to synthesis defect of mtDNA-encoded proteins. Last evaluated: 2018-01-13. Review status: criteria provided, single submitter. Criteria: ICSL Variant Classification Criteria 13 December 2019. Collection method: clinical testing. Allele origin: germline.

Eurofins Ntd Llc (ga)
Classification: Uncertain significance. Last evaluated: 2017-04-11. Review status: criteria provided, single submitter. Criteria: EGL Classification Definitions 2015. Collection method: clinical testing. Allele origin: germline. Observed: 1 variant allele, 1 heterozygote.

NM_018006.5(TRMU):c.461G>A (p.Arg154Gln)

Gene: TRMU (tRNA mitochondrial 2-thiouridylase; plus strand). Cytogenetic location: 22q13.31.
Variant type: single nucleotide variant.
Coding change: c.461G>A on transcript NM_018006.5 (MANE Select); coding-DNA position 461, G replaced by A.
Protein change: p.Arg154Gln; replaces arginine 154 with glutamine.
Molecular consequence: missense variant. On other transcripts: non-coding transcript variant (2).
Genome position (GRCh38, 1-based): chr22:46,346,527, G>A. VCF-style: chr22-46346527-G-A. GRCh37 (hg19) VCF-style: chr22-46742424-G-A.
Other names: c.119G>A, p.Arg40Gln (NM_001282782.2); c.100G>A, p.Gly34Ser (NM_001282783.2, NM_001282784.2); c.461G>A, p.Arg154Gln (NM_001282785.2); short protein forms R154Q, R40Q, G34S.
Identifiers: ClinVar variation 342007 (VCV000342007.12), dbSNP rs200963587, ClinGen allele CA10292053.